The following is an entry in ClinVar:

NM_015311.3(OBSL1):c.5641C>G (p.Gln1881Glu)

Gene: OBSL1 (obscurin like cytoskeletal adaptor 1; minus strand). Cytogenetic location: 2q35.
Variant type: single nucleotide variant.
Coding change: c.5641C>G on transcript NM_015311.3 (MANE Select); coding-DNA position 5641, C replaced by G.
Protein change: p.Gln1881Glu; replaces glutamine 1881 with glutamic acid.
Molecular consequence: missense variant.
Genome position (GRCh38, 1-based): chr2:219,551,571, G>C on the plus strand (C>G on the coding strand, the complement: OBSL1 is on the minus strand). VCF-style: chr2-219551571-G-C. GRCh37 (hg19) VCF-style: chr2-220416293-G-C.
Other names: short protein forms Q1881E.
Identifiers: ClinVar variation 2920178 (VCV002920178.3), dbSNP rs1352955079, ClinGen allele CA350715573.

ClinVar aggregate classification (germline): Uncertain significance (1 of 4 stars; one submission).

Allele frequency attached by ClinVar (database versions not stated): gnomAD 0.00001; gnomAD exomes 0.00001; TOPMed 0.00001.
gnomAD v4.1: 8 of 1,604,970 alleles (0.0005%); highest among the groups gnomAD compares: East Asian, 0.016%; no homozygotes.

Submission:

Labcorp Genetics (formerly Invitae), Labcorp
Classification: Uncertain significance. Last evaluated: 2023-05-23. Review status: criteria provided, single submitter. Criteria: Invitae Variant Classification Sherloc (09022015). Collection method: clinical testing. Allele origin: germline.
Comment: This sequence change replaces glutamine, which is neutral and polar, with glutamic acid, which is acidic and polar, at codon 1881 of the OBSL1 protein (p.Gln1881Glu). This variant is present in population databases (no rsID available, gnomAD 0.01%). This variant has not been reported in the literature in individuals affected with OBSL1-related conditions. An algorithm developed to predict the effect of missense changes on protein structure and function (PolyPhen-2) suggests that this variant is likely to be disruptive. In summary, the available evidence is currently insufficient to determine the role of this variant in disease. Therefore, it has been classified as a Variant of Uncertain Significance.